The following is an entry in ClinVar:

NM_014141.6(CNTNAP2):c.404C>A (p.Ala135Glu)

Gene: CNTNAP2 (contactin associated protein 2; plus strand). Cytogenetic location: 7q35.
Variant type: single nucleotide variant.
Coding change: c.404C>A on transcript NM_014141.6 (MANE Select); coding-DNA position 404, C replaced by A.
Protein change: p.Ala135Glu; replaces alanine 135 with glutamic acid.
Molecular consequence: missense variant.
Genome position (GRCh38, 1-based): chr7:147,043,908, C>A. VCF-style: chr7-147043908-C-A. GRCh37 (hg19) VCF-style: chr7-146741000-C-A.
Other names: short protein forms A135E.
Identifiers: ClinVar variation 1477223 (VCV001477223.8), dbSNP rs2129255279, ClinGen allele CA369923387.

ClinVar aggregate classification (germline): Uncertain significance (1 of 4 stars; one submission).

Conditions:
Cortical dysplasia-focal epilepsy syndrome (PTHSL1). Also called: Pitt-Hopkins-like syndrome 1. Identifiers: Orphanet 163681, Orphanet 221150, MedGen C2750246, MONDO:0012400, OMIM 610042.

Submission:

Labcorp Genetics (formerly Invitae), Labcorp
Classification: Uncertain significance for Cortical dysplasia-focal epilepsy syndrome. Last evaluated: 2021-06-29. Review status: criteria provided, single submitter. Criteria: Invitae Variant Classification Sherloc (09022015). Collection method: clinical testing. Allele origin: germline.
Comment: This sequence change replaces alanine with glutamic acid at codon 135 of the CNTNAP2 protein (p.Ala135Glu). The alanine residue is weakly conserved and there is a moderate physicochemical difference between alanine and glutamic acid. This variant is not present in population databases (ExAC no frequency). This variant has not been reported in the literature in individuals affected with CNTNAP2-related conditions. Algorithms developed to predict the effect of missense changes on protein structure and function are either unavailable or do not agree on the potential impact of this missense change (SIFT: "Deleterious"; PolyPhen-2: "Benign"; Align-GVGD: "Class C0"). In summary, the available evidence is currently insufficient to determine the role of this variant in disease. Therefore, it has been classified as a Variant of Uncertain Significance.